The following is an entry in ClinVar:

NM_000540.3(RYR1):c.3951del (p.Ala1318fs)

Gene: RYR1 (ryanodine receptor 1; plus strand). Cytogenetic location: 19q13.2.
Variant type: Deletion.
Coding change: c.3951del on transcript NM_000540.3 (MANE Select); coding-DNA position 3951, one base deleted (C; older notation c.3951delC).
Protein change: p.Ala1318fs; shifts the reading frame from alanine 1318.
Molecular consequence: frameshift variant.
Genome position (GRCh38, 1-based): chr19:38,473,562, C deleted; the last of 6 consecutive C bases (chr19:38,473,557-38,473,562); deleting any one gives the same sequence. VCF-style (leftmost placement, unchanged base first): chr19-38473556-GC-G. GRCh37 (hg19) VCF-style: chr19-38964196-GC-G.
Other names: c.3951del, p.Ala1318fs (NM_001042723.2); short protein forms A1318fs.
Identifiers: ClinVar variation 2891336 (VCV002891336.3), dbSNP rs772166066, ClinGen allele CA645615237.
Genomic context (GRCh38, chr19:38,473,556, plus strand): 5'-GTTCCACCAGCACTTCCGCTGCACTGCAGGGGCCACCCCGCTGGCACCTCCTGGCCTGCA[GC>G]CCCCCGCCGAGGACGAGGCCCGGGCGGCGGAACCCGACCCTGACTACGAAAACCTGCGCC-3'

ClinVar aggregate classification (germline): Pathogenic (1 of 4 stars; one submission).

Conditions:
RYR1-related disorder. Also called: RYR1-related condition; RYR1-related disorders. Identifiers: MedGen CN239331.

Submission:

Labcorp Genetics (formerly Invitae), Labcorp
Classification: Pathogenic for RYR1-related disorder. Last evaluated: 2022-12-22. Review status: criteria provided, single submitter. Criteria: Invitae Variant Classification Sherloc (09022015). Collection method: clinical testing. Allele origin: germline.
Comment: For these reasons, this variant has been classified as Pathogenic. This variant has not been reported in the literature in individuals affected with RYR1-related conditions. This variant is not present in population databases (gnomAD no frequency). This sequence change creates a premature translational stop signal (p.Ala1318Profs*80) in the RYR1 gene. It is expected to result in an absent or disrupted protein product. Loss-of-function variants in RYR1 are known to be pathogenic (PMID: 20583297, 20839240, 23919265, 28818389).

Literature cited by the submitters: PubMed 20583297; PubMed 20839240; PubMed 23919265; PubMed 28818389.